The following is an entry in ClinVar:

ClinVar aggregate classification (germline): Pathogenic (1 of 4 stars; one submission).

Conditions:
Arrhythmogenic cardiomyopathy with wooly hair and keratoderma. Also called: Carvajal syndrome; Arrhythmogenic cardiomyopathy with woolly hair and keratoderma; Dilated cardiomyopathy with woolly hair and keratoderma; PALMOPLANTAR KERATODERMA WITH LEFT VENTRICULAR CARDIOMYOPATHY AND WOOLLY HAIR. Identifiers: Orphanet 65282, MedGen C1854063, MONDO:0011581, OMIM 605676.
Arrhythmogenic right ventricular dysplasia 8 (ARVD8). Also called: Arrhythmogenic Right Ventricular Dysplasia/Cardiomyopathy 8; ARRHYTHMOGENIC RIGHT VENTRICULAR CARDIOMYOPATHY 8; ARRHYTHMOGENIC RIGHT VENTRICULAR DYSPLASIA, FAMILIAL, 8. Identifiers: MedGen C1843896, MONDO:0011831, OMIM 607450.

Submission:

Labcorp Genetics (formerly Invitae), Labcorp
Classification: Pathogenic for Arrhythmogenic cardiomyopathy with wooly hair and keratoderma; Arrhythmogenic right ventricular dysplasia 8. Last evaluated: 2024-07-19. Review status: criteria provided, single submitter. Criteria: Invitae Variant Classification Sherloc (09022015). Collection method: clinical testing. Allele origin: germline.
Comment: This sequence change creates a premature translational stop signal (p.Gln1707Leufs*6) in the DSP gene. It is expected to result in an absent or disrupted protein product. Loss-of-function variants in DSP are known to be pathogenic (PMID: 20716751, 24503780, 25227139). This variant is not present in population databases (gnomAD no frequency). This variant has not been reported in the literature in individuals affected with DSP-related conditions. ClinVar contains an entry for this variant (Variation ID: 2123801). For these reasons, this variant has been classified as Pathogenic.

Literature cited by the submitters: PubMed 20716751; PubMed 24503780; PubMed 25227139.

NM_004415.4(DSP):c.5120_5123del (p.Gln1707fs)

Gene: DSP (desmoplakin; plus strand). Cytogenetic location: 6p24.3.
Variant type: Deletion.
Coding change: c.5120_5123del on transcript NM_004415.4 (MANE Select); coding-DNA positions 5120 to 5123, 4 bases deleted (AGTC; older notation c.5120_5123delAGTC).
Protein change: p.Gln1707fs; shifts the reading frame from glutamine 1707.
Molecular consequence: frameshift variant. On other transcripts: intron variant (2).
Genome position (GRCh38, 1-based): chr6:7,581,310-7,581,313, AGTC deleted; deleting any 4 consecutive bases within chr6:7,581,309-7,581,313 gives the same sequence; the c. name uses the placement nearest the transcript's 3' end. VCF-style (leftmost placement, unchanged base first): chr6-7581308-GCAGT-G. GRCh37 (hg19) VCF-style: chr6-7581541-GCAGT-G.
Other names: c.4050+1070_4050+1073del (NM_001319034.2); c.3583-1332_3583-1329del (NM_001008844.3); short protein forms Q1707fs.
Identifiers: ClinVar variation 2123801 (VCV002123801.4), dbSNP rs2533931658, ClinGen allele CA2580075408.
Genomic context (GRCh38, chr6:7,581,308, plus strand): 5'-GAAGGCGATAGAAGATAAAAGCAGAAGCTTAAATGAAAGCAAAATAGAAATTGAGAGGCT[GCAGT>G]CTCTCACAGAGAACCTGACCAAGGAGCACTTGATGTTAGAAGAAGAACTGCGGAACCTGA-3'